The following is an entry in ClinVar:

NM_001042424.3(NSD2):c.302A>G (p.Glu101Gly)

Gene: NSD2 (nuclear receptor binding SET domain protein 2; plus strand). Cytogenetic location: 4p16.3.
Variant type: single nucleotide variant.
Coding change: c.302A>G on transcript NM_001042424.3 (MANE Select); coding-DNA position 302, A replaced by G.
Protein change: p.Glu101Gly; replaces glutamic acid 101 with glycine.
Molecular consequence: missense variant.
Genome position (GRCh38, 1-based): chr4:1,900,956, A>G. VCF-style: chr4-1900956-A-G. GRCh37 (hg19) VCF-style: chr4-1902683-A-G.
Other names: c.302A>G, p.Glu101Gly (NM_007331.2, NM_133330.3, NM_133331.3 and 2 more transcripts); short protein forms E101G.
Identifiers: ClinVar variation 2501370 (VCV002501370.1), dbSNP rs2474218847, ClinGen allele CA355991402.

ClinVar aggregate classification (germline): Uncertain significance (1 of 4 stars; one submission).

Submission:

GeneDx
Classification: Uncertain significance. Last evaluated: 2022-11-03. Review status: criteria provided, single submitter. Criteria: GeneDx Variant Classification Process June 2021. Collection method: clinical testing. Allele origin: germline. Affected: yes.
Comment: Not observed at significant frequency in large population cohorts (gnomAD); In silico analysis supports that this missense variant has a deleterious effect on protein structure/function; Has not been previously published as pathogenic or benign to our knowledge